The following is an entry in ClinVar:

NM_005993.5(TBCD):c.3069C>T (p.Ser1023=)

Gene: TBCD (tubulin folding cofactor D). Cytogenetic location: 17q25.3.
Variant type: single nucleotide variant.
Coding change: c.3069C>T on transcript NM_005993.5 (MANE Select); coding-DNA position 3069, C replaced by T.
Protein change: p.Ser1023=; no amino-acid change (serine 1023 retained).
Molecular consequence: synonymous variant.
Genome position (GRCh38, 1-based): chr17:82,930,599, C>T. VCF-style: chr17-82930599-C-T. GRCh37 (hg19) VCF-style: chr17-80888475-C-T.
Identifiers: ClinVar variation 790375 (VCV000790375.42), dbSNP rs112074039, ClinGen allele CA8863380.

ClinVar aggregate classification (germline): Benign/Likely benign. Review status: criteria provided, multiple submitters, no conflicts (2 of 4 stars). 3 submissions from 3 submitters: Benign (1); Likely benign (2). Last evaluated 2026-09-01.

Allele frequency attached by ClinVar (database versions not stated): gnomAD 0.00113 and 0.00141; TOPMed 0.00136; 1000 Genomes Project 0.00140; gnomAD exomes 0.00168 and 0.00239; 1000 Genomes Project 30x 0.00172; ESP Exome Variant Server 0.00202; ExAC 0.00237.
gnomAD v4.1: 2,693 of 1,613,896 alleles (0.17%); highest among the groups gnomAD compares: Middle Eastern, 1.3%; 22 homozygotes.

Submissions (3):

CeGaT Center for Human Genetics Tuebingen
Classification: Likely benign. Last evaluated: 2026-09-01. Review status: criteria provided, single submitter. Criteria: CeGaT Center For Human Genetics Tuebingen Variant Classification Criteria Version 2. Collection method: clinical testing. Allele origin: germline. Affected: yes. Observed: 13 variant alleles.
Comment: TBCD: BP4, BP7, BS2

Labcorp Genetics (formerly Invitae), Labcorp
Classification: Benign. Last evaluated: 2026-01-28. Review status: criteria provided, single submitter. Criteria: Invitae Variant Classification Sherloc (09022015). Collection method: clinical testing. Allele origin: germline.

Breakthrough Genomics
Classification: Likely benign. Review status: criteria provided, single submitter. Criteria: ACMG Guidelines, 2015. Collection method: not provided. Allele origin: germline. Inheritance: Autosomal recessive inheritance. Affected: yes.